The following is an entry in ClinVar:

ClinVar aggregate classification (germline): Uncertain significance (1 of 4 stars; one submission).

Conditions:
Metachromatic leukodystrophy (MLD). Also called: Cerebral sclerosis diffuse metachromatic form; Arylsulfatase A Deficiency; METACHROMATIC LEUKOENCEPHALOPATHY; SULFATIDE LIPIDOSIS; ARSA DEFICIENCY; CEREBROSIDE SULFATASE DEFICIENCY. Identifiers: Orphanet 512, MedGen C0023522, MONDO:0018868, OMIM 250100.

Allele frequency attached by ClinVar (database versions not stated): gnomAD 0.00001; TOPMed 0.00001.

Submission:

Labcorp Genetics (formerly Invitae), Labcorp
Classification: Uncertain significance for Metachromatic leukodystrophy. Last evaluated: 2022-07-14. Review status: criteria provided, single submitter. Criteria: Invitae Variant Classification Sherloc (09022015). Collection method: clinical testing. Allele origin: germline.
Comment: This sequence change replaces glycine, which is neutral and non-polar, with aspartic acid, which is acidic and polar, at codon 438 of the ARSA protein (p.Gly438Asp). This variant is not present in population databases (gnomAD no frequency). This variant has not been reported in the literature in individuals affected with ARSA-related conditions. Algorithms developed to predict the effect of missense changes on protein structure and function are either unavailable or do not agree on the potential impact of this missense change (SIFT: "Tolerated"; PolyPhen-2: "Possibly Damaging"; Align-GVGD: "Class C0"). Algorithms developed to predict the effect of sequence changes on RNA splicing suggest that this variant may disrupt the consensus splice site. In summary, the available evidence is currently insufficient to determine the role of this variant in disease. Therefore, it has been classified as a Variant of Uncertain Significance.

NM_000487.6(ARSA):c.1313G>A (p.Gly438Asp)

Gene: ARSA (arylsulfatase A; minus strand). Cytogenetic location: 22q13.33.
Variant type: single nucleotide variant.
Coding change: c.1313G>A on transcript NM_000487.6 (MANE Select); coding-DNA position 1313, G replaced by A.
Protein change: p.Gly438Asp; replaces glycine 438 with aspartic acid.
Molecular consequence: missense variant.
Genome position (GRCh38, 1-based): chr22:50,625,362, C>T on the plus strand (G>A on the coding strand, the complement: ARSA is on the minus strand). VCF-style: chr22-50625362-C-T. GRCh37 (hg19) VCF-style: chr22-51063790-C-T.
Other names: c.1313G>A, p.Gly438Asp (NM_001085425.3, NM_001085426.3, NM_001085427.3); c.1055G>A, p.Gly352Asp (NM_001085428.3, NM_001362782.2); short protein forms G352D, G438D.
Identifiers: ClinVar variation 1940395 (VCV001940395.2), dbSNP rs746481775, ClinGen allele CA412168665.